The following is an entry in ClinVar:

NM_001943.5(DSG2):c.2664C>A (p.Phe888Leu)

Genes: DSG2 (desmoglein 2; plus strand), DSG2-AS1 (DSG2 antisense RNA 1; minus strand). Cytogenetic location: 18q12.1.
Variant type: single nucleotide variant.
Coding change: c.2664C>A on transcript NM_001943.5 (MANE Select); coding-DNA position 2664, C replaced by A.
Protein change: p.Phe888Leu; replaces phenylalanine 888 with leucine.
Molecular consequence: missense variant.
Genome position (GRCh38, 1-based): chr18:31,546,050, C>A. VCF-style: chr18-31546050-C-A. GRCh37 (hg19) VCF-style: chr18-29126013-C-A.
Other names: c.2664C>A (LRG_397t1); short protein forms F888L.
Identifiers: ClinVar variation 222567 (VCV000222567.4), dbSNP rs773831600, ClinGen allele CA046776.

ClinVar aggregate classification (germline): Conflicting classifications of pathogenicity. Review status: criteria provided, conflicting classifications (1 of 4 stars). 2 submissions from 2 submitters: Uncertain significance (1); Likely benign (1). Last evaluated 2025-01-05.

Conditions:
Arrhythmogenic right ventricular dysplasia 10. Also called: Arrhythmogenic right ventricular dysplasia/cardiomyopathy, type 10; Arrhythmogenic Right Ventricular Dysplasia/Cardiomyopathy10; ARRHYTHMOGENIC RIGHT VENTRICULAR DYSPLASIA, FAMILIAL, 10. Identifiers: MedGen C1857777, MONDO:0012434, OMIM 610193.

Allele frequency attached by ClinVar (database versions not stated): gnomAD 0.00001.
gnomAD v4.1: 9 of 1,614,050 alleles (0.00056%); no homozygotes.

Submissions (2):

Labcorp Genetics (formerly Invitae), Labcorp
Classification: Uncertain significance for Arrhythmogenic right ventricular dysplasia 10. Last evaluated: 2025-01-05. Review status: criteria provided, single submitter. Criteria: Invitae Variant Classification Sherloc (09022015). Collection method: clinical testing. Allele origin: germline.
Comment: This sequence change replaces phenylalanine, which is neutral and non-polar, with leucine, which is neutral and non-polar, at codon 888 of the DSG2 protein (p.Phe888Leu). This variant is present in population databases (rs773831600, gnomAD 0.008%). This variant has not been reported in the literature in individuals affected with DSG2-related conditions. ClinVar contains an entry for this variant (Variation ID: 222567). Invitae Evidence Modeling of protein sequence and biophysical properties (such as structural, functional, and spatial information, amino acid conservation, physicochemical variation, residue mobility, and thermodynamic stability) indicates that this missense variant is not expected to disrupt DSG2 protein function with a negative predictive value of 95%. In summary, the available evidence is currently insufficient to determine the role of this variant in disease. Therefore, it has been classified as a Variant of Uncertain Significance.

Blueprint Genetics
Classification: Likely benign. Last evaluated: 2019-06-14. Review status: criteria provided, single submitter. Criteria: ACMG Guidelines, 2015. Collection method: clinical testing. Allele origin: germline.